The following is an entry in ClinVar:

ClinVar aggregate classification (germline): Uncertain significance. Review status: criteria provided, multiple submitters, no conflicts (2 of 4 stars). 4 submissions from 4 submitters: Uncertain significance (3). 1 of the submissions does not count toward it. Last evaluated 2026-08-13.

Conditions:
COACH syndrome 3. Identifiers: MedGen C5436841, MONDO:0030862, OMIM 619113.
Meckel syndrome, type 5 (MKS5). Identifiers: Orphanet 564, MedGen C1969052, MONDO:0012695, OMIM 611561.
Joubert syndrome 7 (JBTS7). Identifiers: Orphanet 220497, MedGen C1969053, MONDO:0012694, OMIM 611560.
Joubert syndrome. Also called: Familial aplasia of the vermis; JOUBERT-BOLTSHAUSER SYNDROME. Identifiers: Orphanet 475, MedGen C5979921, MONDO:0018772.
RPGRIP1L-related disorder. Also called: RPGRIP1L-related disorders; RPGRIP1L-related condition. Identifiers: MedGen CN239416.
Meckel-Gruber syndrome. Also called: DYSENCEPHALIA SPLANCHNOCYSTICA; GRUBER SYNDROME; Dysencephalia splachnocystica. Identifiers: Orphanet 564, MedGen C0265215, MONDO:0018921.

Allele frequency attached by ClinVar (database versions not stated): gnomAD 0.00001; gnomAD exomes 0.00001 and 0.00002; ESP Exome Variant Server 0.00008.
gnomAD v4.1: 25 of 1,613,904 alleles (0.0015%); highest among the groups gnomAD compares: Non-Finnish European, 0.0021%; no homozygotes.

Submissions (4):

PreventionGenetics, part of Exact Sciences
Classification: Uncertain significance for RPGRIP1L-related condition. Last evaluated: 2026-08-13. Review status: criteria provided, single submitter. Criteria: ACMG Guidelines, 2015. Collection method: clinical testing. Allele origin: germline.
Comment: The RPGRIP1L c.1636C>T variant is predicted to result in the amino acid substitution p.Leu546Phe. This variant has been reported in an individual diagnosed with ciliopathy (Khanna et al. 2009. PubMed ID: 19430481). Functional assessment of this variant using an in vitro zebrafish model suggested that this variant may be pathogenic (Khanna et al. 2009. PubMed ID: 19430481). This variant is reported in 0.0031% of alleles in individuals of European (Non-Finnish) descent in gnomAD. At this time, the clinical significance of this variant is uncertain due to the absence of conclusive functional and genetic evidence.

Labcorp Genetics (formerly Invitae), Labcorp
Classification: Uncertain significance for Joubert syndrome; Meckel-Gruber syndrome. Last evaluated: 2022-08-22. Review status: criteria provided, single submitter. Criteria: Invitae Variant Classification Sherloc (09022015). Collection method: clinical testing. Allele origin: germline.
Comment: This sequence change replaces leucine, which is neutral and non-polar, with phenylalanine, which is neutral and non-polar, at codon 546 of the RPGRIP1L protein (p.Leu546Phe). This variant is present in population databases (rs147331527, gnomAD 0.003%). This missense change has been observed in individual(s) with Leber congenital amaurosis (PMID: 19430481). ClinVar contains an entry for this variant (Variation ID: 1040566). Algorithms developed to predict the effect of missense changes on protein structure and function (SIFT, PolyPhen-2, Align-GVGD) all suggest that this variant is likely to be tolerated. Experimental studies have shown that this missense change affects RPGRIP1L function (PMID: 19430481). In summary, the available evidence is currently insufficient to determine the role of this variant in disease. Therefore, it has been classified as a Variant of Uncertain Significance.

Fulgent Genetics
Classification: Uncertain significance for Joubert syndrome 7; Meckel syndrome, type 5; COACH syndrome 3. Last evaluated: 2021-09-15. Review status: criteria provided, single submitter. Criteria: ACMG Guidelines, 2015. Collection method: clinical testing. Allele origin: unknown.

Natera, Inc.
Classification: Uncertain significance for Joubert syndrome. Last evaluated: 2021-04-20. Review status: no assertion criteria provided. Collection method: clinical testing. Allele origin: germline. Not counted in ClinVar's aggregate classification.

Literature cited by the submitters: PubMed 19430481 (cited by Labcorp Genetics (formerly Invitae), Labcorp).

NM_015272.5(RPGRIP1L):c.1636C>T (p.Leu546Phe)

Gene: RPGRIP1L (RPGRIP1 like; minus strand). Cytogenetic location: 16q12.2.
Variant type: single nucleotide variant.
Coding change: c.1636C>T on transcript NM_015272.5 (MANE Select); coding-DNA position 1636, C replaced by T.
Protein change: p.Leu546Phe; replaces leucine 546 with phenylalanine.
Molecular consequence: missense variant.
Genome position (GRCh38, 1-based): chr16:53,656,535, G>A on the plus strand (C>T on the coding strand, the complement: RPGRIP1L is on the minus strand). VCF-style: chr16-53656535-G-A. GRCh37 (hg19) VCF-style: chr16-53690447-G-A.
Other names: c.1636C>T, p.Leu546Phe (NM_001127897.4, NM_001308334.3, NM_001330538.2); c.1636C>T (NM_015272.4); short protein forms L546F.
Identifiers: ClinVar variation 1040566 (VCV001040566.5), dbSNP rs147331527, ClinGen allele CA281346489.